The following is an entry in ClinVar:

ClinVar aggregate classification (germline): Pathogenic. Review status: criteria provided, multiple submitters, no conflicts (2 of 4 stars). 2 submissions from 2 submitters: Pathogenic (2). Last evaluated 2020-05-26.

Conditions:
Developmental and epileptic encephalopathy, 54. Also called: Epileptic encephalopathy, early infantile, 54; HNRNPU-Related Neurodevelopmental Disorder. Identifiers: MedGen C4479319, MONDO:0033363, OMIM 617391.

Submissions (2):

Labcorp Genetics (formerly Invitae), Labcorp
Classification: Pathogenic for Developmental and epileptic encephalopathy, 54. Last evaluated: 2020-05-26. Review status: criteria provided, single submitter. Criteria: Invitae Variant Classification Sherloc (09022015). Collection method: clinical testing. Allele origin: germline.
Comment: For these reasons, this variant has been classified as Pathogenic. Loss-of-function variants in HNRNPU are known to be pathogenic (PMID: 22678713, 28283832). This variant has not been reported in the literature in individuals with HNRNPU-related conditions. ClinVar contains an entry for this variant (Variation ID: 801643). This variant is not present in population databases (ExAC no frequency). This sequence change creates a premature translational stop signal (p.Gln561Profs*8) in the HNRNPU gene. It is expected to result in an absent or disrupted protein product.

Mendelics
Classification: Pathogenic for Developmental and epileptic encephalopathy, 54. Last evaluated: 2019-05-28. Review status: criteria provided, single submitter. Criteria: Mendelics Assertion Criteria 2017. Collection method: clinical testing. Allele origin: unknown.

Literature cited by the submitters: PubMed 22678713 (cited by Labcorp Genetics (formerly Invitae), Labcorp); PubMed 28283832 (cited by Labcorp Genetics (formerly Invitae), Labcorp).

NM_031844.3(HNRNPU):c.1681dup (p.Gln561fs)

Gene: HNRNPU (heterogeneous nuclear ribonucleoprotein U; minus strand). Cytogenetic location: 1q44.
Variant type: Duplication.
Coding change: c.1681dup on transcript NM_031844.3 (MANE Select); coding-DNA position 1681, one base duplicated (C; older notation c.1681dupC).
Protein change: p.Gln561fs; shifts the reading frame from glutamine 561.
Molecular consequence: frameshift variant.
Genome position (GRCh38, 1-based): chr1:244,856,790, G duplicated on the plus strand (C on the coding strand, the reverse complement: HNRNPU is on the minus strand); the first of 6 consecutive G bases (chr1:244,856,790-244,856,795); duplicating any one gives the same sequence. VCF-style (leftmost placement, unchanged base first): chr1-244856789-T-TG. GRCh37 (hg19) VCF-style: chr1-245020091-T-TG.
Other names: c.1624dup, p.Gln542fs (NM_004501.3); short protein forms Q542fs, Q561fs.
Identifiers: ClinVar variation 801643 (VCV000801643.8), dbSNP rs1573330458, ClinGen allele CA915943683.